The following is an entry in ClinVar:

ClinVar aggregate classification (germline): Pathogenic (1 of 4 stars; one submission).

Submission:

Labcorp Genetics (formerly Invitae), Labcorp
Classification: Pathogenic. Last evaluated: 2023-09-30. Review status: criteria provided, single submitter. Criteria: Invitae Variant Classification Sherloc (09022015). Collection method: clinical testing. Allele origin: unknown.
Comment: This variant is a gross deletion of the genomic region encompassing exon(s) 1 of the GLE1 gene, which includes the initiator codon. This deletion extends beyond the assayed region for this gene and therefore may encompass additional genes. It is expected to result in an absent or disrupted protein product. Loss-of-function variants in GLE1 are known to be pathogenic (PMID: 18204449, 24243016, 27684565). This variant has not been reported in the literature in individuals affected with GLE1-related conditions. For these reasons, this variant has been classified as Pathogenic.

Literature cited by the submitters: PubMed 18204449; PubMed 24243016; PubMed 27684565.

NC_000009.11:g.(?_131267085)_(131267203_?)del

Gene: GLE1 (GLE1 RNA export mediator; plus strand). Cytogenetic location: 9q34.11.
Variant type: Deletion.
Identifiers: ClinVar variation 3245296 (VCV003245296.1).